The following is an entry in ClinVar:

ClinVar aggregate classification (germline): Pathogenic. Review status: reviewed by expert panel (3 of 4 stars). 2 submissions from 2 submitters: Pathogenic (1). 1 of the submissions does not count toward it. Last evaluated 2021-03-04.

Conditions:
Glanzmann thrombasthenia. Also called: Glanzmann's thrombasthenia; PLATELET GLYCOPROTEIN IIb-IIIa DEFICIENCY; THROMBASTHENIA OF GLANZMANN AND NAEGELI; Thrombasthenia. Identifiers: Orphanet 849, MedGen C0040015, MONDO:0100326.

Allele frequency attached by ClinVar (database versions not stated): gnomAD exomes 0.00001 and below 0.00001; gnomAD 0.00001.
gnomAD v4.1: 14 of 1,613,812 alleles (0.00087%); highest among the groups gnomAD compares: Non-Finnish European, 0.0011%; no homozygotes.

Submissions (2):

ClinGen Platelet Disorders Variant Curation Expert Panel, ClinGen
Classification: Pathogenic for Glanzmann thrombasthenia. Last evaluated: 2021-03-04. Review status: reviewed by expert panel. Criteria: ClinGen Platelet ACMG Specifications v2-1. Collection method: curation. Allele origin: germline. Inheritance: Autosomal recessive inheritance.
Comment: The NM_000419.4:c.641T>C variant that results in the Arg551Trp amino acid change is reported in at least 5 homozygous or compound heterozygous GT probands in the literature (PMIDs: 29675921, 30792900, 16879215, 32237906) as well as one additional affected family member (PMID: 30792900). It is found at an extremely low frequency with a MAF of 0.00005045 in the East Asian gnomAD population. And it is predicted damaging by in-silico tools (REVEL score of 0.776). In summary, this variant meets criteria to be classified as Pathogenic for GT. GT-specific criteria applied: PM2_Supporting, PM3_Strong, PP1, PP3, and PP4_Strong.

Labcorp Genetics (formerly Invitae), Labcorp
Classification: Likely pathogenic for Glanzmann thrombasthenia. Last evaluated: 2024-06-03. Review status: criteria provided, single submitter. Criteria: Invitae Variant Classification Sherloc (09022015). Collection method: clinical testing. Allele origin: germline. Not counted in ClinVar's aggregate classification.
Comment: This sequence change replaces arginine, which is basic and polar, with tryptophan, which is neutral and slightly polar, at codon 551 of the ITGA2B protein (p.Arg551Trp). The frequency data for this variant in the population databases is considered unreliable, as metrics indicate poor data quality at this position in the gnomAD database. This missense change has been observed in individuals with Glanzmann thrombasthenia (PMID: 29675921, 30792900, 32237906). ClinVar contains an entry for this variant (Variation ID: 953046). Advanced modeling of protein sequence and biophysical properties (such as structural, functional, and spatial information, amino acid conservation, physicochemical variation, residue mobility, and thermodynamic stability) performed at Invitae indicates that this missense variant is expected to disrupt ITGA2B protein function with a positive predictive value of 80%. In summary, the currently available evidence indicates that the variant is pathogenic, but additional data are needed to prove that conclusively. Therefore, this variant has been classified as Likely Pathogenic.

Literature cited by the submitters: PubMed 29675921 (cited by Labcorp Genetics (formerly Invitae), Labcorp); PubMed 30792900 (cited by Labcorp Genetics (formerly Invitae), Labcorp); PubMed 32237906 (cited by Labcorp Genetics (formerly Invitae), Labcorp).

NM_000419.5(ITGA2B):c.1651C>T (p.Arg551Trp)

Gene: ITGA2B (integrin subunit alpha 2b; minus strand). Cytogenetic location: 17q21.31.
Variant type: single nucleotide variant.
Coding change: c.1651C>T on transcript NM_000419.5 (MANE Select); coding-DNA position 1651, C replaced by T.
Protein change: p.Arg551Trp; replaces arginine 551 with tryptophan.
Molecular consequence: missense variant.
Genome position (GRCh38, 1-based): chr17:44,380,103, G>A on the plus strand (C>T on the coding strand, the complement: ITGA2B is on the minus strand). VCF-style: chr17-44380103-G-A. GRCh37 (hg19) VCF-style: chr17-42457471-G-A.
Other names: short protein forms R551W.
Identifiers: ClinVar variation 953046 (VCV000953046.6), dbSNP rs1261397461, ClinGen allele CA399802348.
Genomic context (GRCh38, chr17:44,380,103, plus strand): 5'-TTCCGCCCAGATCCAGGTTCAGGGTGGTGCCTGCCTGTTGAGAGCCCAGCAGCAGCACCC[G>A]CCGGCCCTGGCGGGGCTTCTGCCGGTCCAGCTGCAGCTCGGCATTTAGGGCTGGCAGGGC-3'
Protein context (NP_000410.2, residues 541-561): LDRQKPRQGR[Arg551Trp]VLLLGSQQAG